The following is an entry in ClinVar:

NM_001001344.3(ATP2B3):c.2221C>T (p.Arg741Cys)

Gene: ATP2B3 (ATPase plasma membrane Ca2+ transporting 3; plus strand). Cytogenetic location: Xq28.
Variant type: single nucleotide variant.
Coding change: c.2221C>T on transcript NM_001001344.3 (MANE Select); coding-DNA position 2221, C replaced by T.
Protein change: p.Arg741Cys; replaces arginine 741 with cysteine.
Molecular consequence: missense variant.
Genome position (GRCh38, 1-based): chrX:153,556,211, C>T. VCF-style: chrX-153556211-C-T. GRCh37 (hg19) VCF-style: chrX-152821669-C-T.
Other names: c.2221C>T, p.Arg741Cys (NM_001388360.1, NM_001388361.1, NM_001388362.1 and 1 more transcripts); c.2179C>T, p.Arg727Cys (NM_001410708.1); short protein forms R727C, R741C.
Identifiers: ClinVar variation 2661699 (VCV002661699.24), dbSNP rs1215901845, ClinGen allele CA415072432.

ClinVar aggregate classification (germline): Uncertain significance (1 of 4 stars; one submission).

Allele frequency attached by ClinVar (database versions not stated): TOPMed 0.00003; gnomAD 0.00004.

Submission:

CeGaT Center for Human Genetics Tuebingen
Classification: Uncertain significance. Last evaluated: 2023-07-01. Review status: criteria provided, single submitter. Criteria: CeGaT Center For Human Genetics Tuebingen Variant Classification Criteria Version 2. Collection method: clinical testing. Allele origin: germline. Affected: yes. Observed: 1 variant allele.
Comment: ATP2B3: PP3